The following is an entry in ClinVar:

ClinVar aggregate classification (germline): Uncertain significance (1 of 4 stars; one submission).

Allele frequency attached by ClinVar (database versions not stated): gnomAD exomes below 0.00001; TOPMed below 0.00001; gnomAD 0.00001.

Submission:

GeneDx
Classification: Uncertain significance. Last evaluated: 2023-01-06. Review status: criteria provided, single submitter. Criteria: GeneDx Variant Classification Process June 2021. Collection method: clinical testing. Allele origin: germline. Affected: yes.
Comment: Not observed at significant frequency in large population cohorts (gnomAD); In silico analysis supports that this missense variant does not alter protein structure/function; Has not been previously published as pathogenic or benign to our knowledge

NM_173689.7(CRB2):c.3808C>G (p.Leu1270Val)

Gene: CRB2 (crumbs cell polarity complex component 2; plus strand). Cytogenetic location: 9q33.3.
Variant type: single nucleotide variant.
Coding change: c.3808C>G on transcript NM_173689.7 (MANE Select); coding-DNA position 3808, C replaced by G.
Protein change: p.Leu1270Val; replaces leucine 1270 with valine.
Molecular consequence: missense variant. On other transcripts: non-coding transcript variant (1).
Genome position (GRCh38, 1-based): chr9:123,377,012, C>G. VCF-style: chr9-123377012-C-G. GRCh37 (hg19) VCF-style: chr9-126139291-C-G.
Other names: short protein forms L1270V.
Identifiers: ClinVar variation 2571679 (VCV002571679.1), dbSNP rs1346019055, ClinGen allele CA374869860.